The following is an entry in ClinVar:

ClinVar aggregate classification (germline): Uncertain significance. Review status: criteria provided, multiple submitters, no conflicts (2 of 4 stars). 2 submissions from 2 submitters: Uncertain significance (2). Last evaluated 2024-12-14.

Conditions:
Inborn genetic diseases. Identifiers: MedGen C0950123, MeSH D030342.
Acute myeloid leukemia (AML). Also called: Acute myeloid leukemia, adult; AML adult; Acute non-lymphocytic leukemia; Acute granulocytic leukemia; Leukemia, acute myelogenous, somatic; Leukemia, acute myeloid, somatic. Identifiers: Orphanet 519, MedGen C0023467, MeSH D015470, MONDO:0018874, OMIM 601626, HP:0004808. Disease mechanism: Constitutively activated FLT3.

Allele frequency attached by ClinVar (database versions not stated): TOPMed 0.00001.

Submissions (2):

Ambry Genetics
Classification: Uncertain significance for Inborn genetic diseases. Last evaluated: 2024-12-14. Review status: criteria provided, single submitter. Criteria: Ambry Variant Classification Scheme 2023. Collection method: clinical testing. Allele origin: germline.
Comment: The p.P237S variant (also known as c.709C>T), located in coding exon 1 of the CEBPA gene, results from a C to T substitution at nucleotide position 709. The proline at codon 237 is replaced by serine, an amino acid with similar properties. This amino acid position is conserved. In addition, this alteration is predicted to be tolerated by in silico analysis. Based on the available evidence, the clinical significance of this variant remains unclear.

Labcorp Genetics (formerly Invitae), Labcorp
Classification: Uncertain significance for Acute myeloid leukemia. Last evaluated: 2024-10-03. Review status: criteria provided, single submitter. Criteria: Invitae Variant Classification Sherloc (09022015). Collection method: clinical testing. Allele origin: germline.
Comment: This sequence change replaces proline, which is neutral and non-polar, with serine, which is neutral and polar, at codon 237 of the CEBPA protein (p.Pro237Ser). This variant is not present in population databases (gnomAD no frequency). This variant has not been reported in the literature in individuals affected with CEBPA-related conditions. ClinVar contains an entry for this variant (Variation ID: 936793). Invitae Evidence Modeling of protein sequence and biophysical properties (such as structural, functional, and spatial information, amino acid conservation, physicochemical variation, residue mobility, and thermodynamic stability) indicates that this missense variant is not expected to disrupt CEBPA protein function with a negative predictive value of 80%. In summary, the available evidence is currently insufficient to determine the role of this variant in disease. Therefore, it has been classified as a Variant of Uncertain Significance.

NM_004364.5(CEBPA):c.709C>T (p.Pro237Ser)

Gene: CEBPA (CCAAT enhancer binding protein alpha; minus strand). Cytogenetic location: 19q13.11.
Variant type: single nucleotide variant.
Coding change: c.709C>T on transcript NM_004364.5 (MANE Select); coding-DNA position 709, C replaced by T.
Protein change: p.Pro237Ser; replaces proline 237 with serine.
Molecular consequence: missense variant.
Genome position (GRCh38, 1-based): chr19:33,301,706, G>A on the plus strand (C>T on the coding strand, the complement: CEBPA is on the minus strand). VCF-style: chr19-33301706-G-A. GRCh37 (hg19) VCF-style: chr19-33792612-G-A.
Other names: c.352C>T, p.Pro118Ser (NM_001285829.2); c.814C>T, p.Pro272Ser (NM_001287424.2); c.667C>T, p.Pro223Ser (NM_001287435.2); c.709C>T (NM_004364.3); short protein forms P272S, P237S, P118S, P223S.
Identifiers: ClinVar variation 936793 (VCV000936793.11), dbSNP rs921077083, ClinGen allele CA405274369.